The following is an entry in ClinVar:

NM_025099.6(CTC1):c.1927A>T (p.Ser643Cys)

Gene: CTC1 (CST telomere replication complex component 1; minus strand). Cytogenetic location: 17p13.1.
Variant type: single nucleotide variant.
Coding change: c.1927A>T on transcript NM_025099.6 (MANE Select); coding-DNA position 1927, A replaced by T.
Protein change: p.Ser643Cys; replaces serine 643 with cysteine.
Molecular consequence: missense variant. On other transcripts: non-coding transcript variant (1).
Genome position (GRCh38, 1-based): chr17:8,232,924, T>A on the plus strand (A>T on the coding strand, the complement: CTC1 is on the minus strand). VCF-style: chr17-8232924-T-A. GRCh37 (hg19) VCF-style: chr17-8136242-T-A.
Other names: c.1927A>T, p.Ser643Cys (NM_001411067.1); short protein forms S643C.
Identifiers: ClinVar variation 2038853 (VCV002038853.4), dbSNP rs768647042, ClinGen allele CA8372235.

ClinVar aggregate classification (germline): Uncertain significance (1 of 4 stars; one submission).

Conditions:
Dyskeratosis congenita. Identifiers: Orphanet 1775, MedGen C0265965, MONDO:0015780.

Allele frequency attached by ClinVar (database versions not stated): gnomAD 0.00001; TOPMed 0.00001; ExAC 0.00003.
gnomAD v4.1: 10 of 1,613,930 alleles (0.00062%); highest among the groups gnomAD compares: Admixed American, 0.017%; 1 homozygote.

Submission:

Labcorp Genetics (formerly Invitae), Labcorp
Classification: Uncertain significance for Dyskeratosis congenita. Last evaluated: 2024-11-04. Review status: criteria provided, single submitter. Criteria: Invitae Variant Classification Sherloc (09022015). Collection method: clinical testing. Allele origin: germline.
Comment: This sequence change replaces serine, which is neutral and polar, with cysteine, which is neutral and slightly polar, at codon 643 of the CTC1 protein (p.Ser643Cys). This variant is present in population databases (rs768647042, gnomAD 0.02%), including at least one homozygous and/or hemizygous individual. This variant has not been reported in the literature in individuals affected with CTC1-related conditions. ClinVar contains an entry for this variant (Variation ID: 2038853). Invitae Evidence Modeling of protein sequence and biophysical properties (such as structural, functional, and spatial information, amino acid conservation, physicochemical variation, residue mobility, and thermodynamic stability) indicates that this missense variant is not expected to disrupt CTC1 protein function with a negative predictive value of 80%. In summary, the available evidence is currently insufficient to determine the role of this variant in disease. Therefore, it has been classified as a Variant of Uncertain Significance.